The following is an entry in ClinVar:

NM_006660.5(CLPX):c.298G>A (p.Gly100Arg)

Gene: CLPX (caseinolytic mitochondrial matrix peptidase chaperone subunit X; minus strand). Cytogenetic location: 15q22.31.
Variant type: single nucleotide variant.
Coding change: c.298G>A on transcript NM_006660.5 (MANE Select); coding-DNA position 298, G replaced by A.
Protein change: p.Gly100Arg; replaces glycine 100 with arginine.
Molecular consequence: missense variant. On other transcripts: non-coding transcript variant (1).
Genome position (GRCh38, 1-based): chr15:65,178,994, C>T on the plus strand (G>A on the coding strand, the complement: CLPX is on the minus strand). VCF-style: chr15-65178994-C-T. GRCh37 (hg19) VCF-style: chr15-65471332-C-T.
Other names: c.298G>A (NM_006660.3); short protein forms G100R.
Identifiers: ClinVar variation 3007867 (VCV003007867.4), dbSNP rs1250337676, ClinGen allele CA392881355.
Genomic context (GRCh38, chr15:65,178,994, plus strand): 5'-ATACAAAGGTCTCTACATGTGTGCACAAGTCGCCACATTTAGGACAGCGCAGCTGGTTTC[C>T]ACCTTTCCCAGAATTCCCAGAGCCTGATTTCTTACTACTTCCCTCACTTGCTGATTTCTA-3'
Protein context (NP_006651.2, residues 90-110): KSGSGNSGKG[Gly100Arg]NQLRCPKCGD

ClinVar aggregate classification (germline): Uncertain significance. Review status: criteria provided, multiple submitters, no conflicts (2 of 4 stars). 2 submissions from 2 submitters: Uncertain significance (2). Last evaluated 2024-05-08.

Allele frequency attached by ClinVar (database versions not stated): gnomAD 0.00001; TOPMed 0.00001.
gnomAD v4.1: 1 of 1,612,172 alleles (0.000062%); highest among the groups gnomAD compares: Non-Finnish European, 0.000085%; no homozygotes.

Submissions (2):

Ambry Genetics
Classification: Uncertain significance. Last evaluated: 2024-05-08. Review status: criteria provided, single submitter. Criteria: Ambry Variant Classification Scheme 2023. Collection method: clinical testing. Allele origin: germline.

Labcorp Genetics (formerly Invitae), Labcorp
Classification: Uncertain significance. Last evaluated: 2023-11-20. Review status: criteria provided, single submitter. Criteria: Invitae Variant Classification Sherloc (09022015). Collection method: clinical testing. Allele origin: germline.
Comment: This sequence change replaces glycine, which is neutral and non-polar, with arginine, which is basic and polar, at codon 100 of the CLPX protein (p.Gly100Arg). This variant is not present in population databases (gnomAD no frequency). This variant has not been reported in the literature in individuals affected with CLPX-related conditions. Advanced modeling of protein sequence and biophysical properties (such as structural, functional, and spatial information, amino acid conservation, physicochemical variation, residue mobility, and thermodynamic stability) performed at Invitae indicates that this missense variant is not expected to disrupt CLPX protein function with a negative predictive value of 80%. In summary, the available evidence is currently insufficient to determine the role of this variant in disease. Therefore, it has been classified as a Variant of Uncertain Significance.